The following is an entry in ClinVar:

NM_003190.5(TAPBP):c.377T>G (p.Val126Gly)

Gene: TAPBP (TAP binding protein; minus strand). Cytogenetic location: 6p21.32.
Variant type: single nucleotide variant.
Coding change: c.377T>G on transcript NM_003190.5 (MANE Select); coding-DNA position 377, T replaced by G.
Protein change: p.Val126Gly; replaces valine 126 with glycine.
Molecular consequence: missense variant. On other transcripts: intron variant (1).
Genome position (GRCh38, 1-based): chr6:33,313,309, A>C on the plus strand (T>G on the coding strand, the complement: TAPBP is on the minus strand). VCF-style: chr6-33313309-A-C. GRCh37 (hg19) VCF-style: chr6-33281086-A-C.
Other names: c.377T>G, p.Val126Gly (NM_001410875.1, NM_172208.3); c.208+385T>G (NM_172209.3); short protein forms V126G.
Identifiers: ClinVar variation 3625890 (VCV003625890.3).

ClinVar aggregate classification (germline): Uncertain significance. Review status: criteria provided, multiple submitters, no conflicts (2 of 4 stars). 2 submissions from 2 submitters: Uncertain significance (2). Last evaluated 2025-07-15.

Conditions:
MHC class I deficiency. Identifiers: Orphanet 34592, MedGen C6024714, MONDO:0011476.

gnomAD v4.1: 4 of 1,613,464 alleles (0.00025%); highest among the groups gnomAD compares: South Asian, 0.0022%; no homozygotes.

Submissions (2):

Ambry Genetics
Classification: Uncertain significance. Last evaluated: 2025-07-15. Review status: criteria provided, single submitter. Criteria: Ambry Variant Classification Scheme 2023. Collection method: clinical testing. Allele origin: germline.

Labcorp Genetics (formerly Invitae), Labcorp
Classification: Uncertain significance for MHC class I deficiency 1. Last evaluated: 2024-11-04. Review status: criteria provided, single submitter. Criteria: Invitae Variant Classification Sherloc (09022015). Collection method: clinical testing. Allele origin: germline.
Comment: This sequence change replaces valine, which is neutral and non-polar, with glycine, which is neutral and non-polar, at codon 126 of the TAPBP protein (p.Val126Gly). This variant is present in population databases (no rsID available, gnomAD 0.003%). This variant has not been reported in the literature in individuals affected with TAPBP-related conditions. An algorithm developed to predict the effect of missense changes on protein structure and function (PolyPhen-2) suggests that this variant is likely to be disruptive. In summary, the available evidence is currently insufficient to determine the role of this variant in disease. Therefore, it has been classified as a Variant of Uncertain Significance.